The following is an entry in ClinVar:

ClinVar aggregate classification (germline): Uncertain significance (1 of 4 stars; one submission).

Submission:

GeneDx
Classification: Uncertain significance. Last evaluated: 2025-07-12. Review status: criteria provided, single submitter. Criteria: GeneDx Variant Classification Process June 2021. Collection method: clinical testing. Allele origin: germline. Affected: yes.
Comment: Not observed at significant frequency in large population cohorts (gnomAD); In silico analysis supports that this missense variant has a deleterious effect on protein structure/function; Has not been previously published as pathogenic or benign to our knowledge

NM_173477.5(USH1G):c.1238T>C (p.Ile413Thr)

Gene: USH1G (USH1 protein network component sans; minus strand). Cytogenetic location: 17q25.1.
Variant type: single nucleotide variant.
Coding change: c.1238T>C on transcript NM_173477.5 (MANE Select); coding-DNA position 1238, T replaced by C.
Protein change: p.Ile413Thr; replaces isoleucine 413 with threonine.
Molecular consequence: missense variant.
Genome position (GRCh38, 1-based): chr17:74,919,598, A>G on the plus strand (T>C on the coding strand, the complement: USH1G is on the minus strand). VCF-style: chr17-74919598-A-G. GRCh37 (hg19) VCF-style: chr17-72915693-A-G.
Other names: c.929T>C, p.Ile310Thr (NM_001282489.3); short protein forms I310T, I413T.
Identifiers: ClinVar variation 4685391 (VCV004685391.1).